The following is an entry in ClinVar:

NM_001042492.3(NF1):c.1392+1G>A

Gene: NF1 (neurofibromin 1; plus strand). Cytogenetic location: 17q11.2.
Variant type: single nucleotide variant.
Coding change: c.1392+1G>A on transcript NM_001042492.3 (MANE Select); the canonical splice donor site of the intron after coding-DNA position 1392, G replaced by A.
Molecular consequence: splice donor variant.
Genome position (GRCh38, 1-based): chr17:31,206,372, G>A. VCF-style: chr17-31206372-G-A. GRCh37 (hg19) VCF-style: chr17-29533390-G-A.
Other names: c.1392+1G>A (NM_000267.4, NM_001128147.3).
Identifiers: ClinVar variation 80403 (VCV000080403.11), dbSNP rs267604791, ClinGen allele CA289352384.
Genomic context (GRCh38, chr17:31,206,372, plus strand): 5'-GAAACACTTCATAAAGCAGTGCAAGGTTGTGGAGCACACCCAGCAATACGAATGGCACCG[G>A]TAAGATAAATCACGAATTTTGAATCTCACCTCCTTTCTATTGCATTTTTTTTAGTGTCTT-3'

ClinVar aggregate classification (germline): Pathogenic. Review status: criteria provided, multiple submitters, no conflicts (2 of 4 stars). 5 submissions from 5 submitters: Pathogenic (4). 1 of the submissions does not count toward it. Last evaluated 2024-02-17.

Conditions:
Hereditary cancer-predisposing syndrome. Also called: Tumor predisposition; Hereditary Cancer Syndrome; Neoplastic Syndromes, Hereditary; Hereditary neoplastic syndrome. Identifiers: Orphanet 140162, MedGen C0027672, MeSH D009386, MONDO:0015356.
Cardiovascular phenotype. Identifiers: MedGen CN230736.
Neurofibromatosis, type 1 (NF1). Also called: Peripheral type neurofibromatosis; VON RECKLINGHAUSEN DISEASE; NEUROFIBROMATOSIS, TYPE I, SOMATIC; Neurofibromatosis, type I. Identifiers: Orphanet 636, MedGen C0027831, MONDO:0018975, OMIM 162200. Disease mechanism: loss of function.

Submissions (5):

Labcorp Genetics (formerly Invitae), Labcorp
Classification: Pathogenic for Neurofibromatosis, type 1. Last evaluated: 2024-02-17. Review status: criteria provided, single submitter. Criteria: Invitae Variant Classification Sherloc (09022015). Collection method: clinical testing. Allele origin: germline.
Comment: This sequence change affects a donor splice site in intron 12 of the NF1 gene. It is expected to disrupt RNA splicing. Variants that disrupt the donor or acceptor splice site typically lead to a loss of protein function (PMID: 16199547), and loss-of-function variants in NF1 are known to be pathogenic (PMID: 10712197, 23913538). This variant is not present in population databases (gnomAD no frequency). Disruption of this splice site has been observed in individual(s) with neurofibromatosis type 1 (PMID: 15146469, 23621909). ClinVar contains an entry for this variant (Variation ID: 80403). Algorithms developed to predict the effect of sequence changes on RNA splicing suggest that this variant may disrupt the consensus splice site. For these reasons, this variant has been classified as Pathogenic.

Genome-Nilou Lab
Classification: Pathogenic for Neurofibromatosis, type 1. Last evaluated: 2022-03-15. Review status: criteria provided, single submitter. Criteria: ACMG Guidelines, 2015. Collection method: clinical testing. Allele origin: germline. Affected: no.

Ambry Genetics
Classification: Pathogenic for Cardiovascular phenotype; Hereditary cancer-predisposing syndrome. Last evaluated: 2018-04-04. Review status: criteria provided, single submitter. Criteria: Ambry Variant Classification Scheme 2023. Collection method: clinical testing. Allele origin: germline.
Comment: The c.1392+1G>A intronic variant results from a G to A substitution one nucleotide after coding exon 12 of the NF1 gene. This alteration has been detected in three individuals with neurofibromatosis type 1 (NF1), including two affected siblings (Trevisson E et al. Clin. Genet., 2014 Apr;85:386-9; De Luca A et al. Hum. Mutat., 2004 Jun;23:629). Using the BDGP and ESEfinder splice site prediction tools, this alteration is predicted to abolish the native splice donor site. Further in vitro analysis by PCR-RFLP assay also demonstrated that this alteration abolishes the native splice donor site (Trevisson E et al. Clin. Genet., 2014 Apr;85:386-9). In addition to the clinical data presented in the literature, alterations that disrupt the canonical splice site are expected to cause aberrant splicing, resulting in an abnormal protein or a transcript that is subject to nonsense-mediated mRNA decay. As such, this alteration is classified as a disease-causing mutation.

Center for Human Genetics, Inc
Classification: Pathogenic for Neurofibromatosis, type 1. Last evaluated: 2016-11-01. Review status: criteria provided, single submitter. Criteria: ACMG Guidelines, 2015. Collection method: clinical testing. Allele origin: germline. Affected: yes.

Medical Genetics, University of Parma
Classification: Likely pathogenic for Neurofibromatosis type 1. Last evaluated: 2017-02-02. Review status: no assertion criteria provided. Collection method: clinical testing. Allele origin: germline. Affected: yes. Not counted in ClinVar's aggregate classification.

Literature cited by the submitters: PubMed 16199547 (cited by Labcorp Genetics (formerly Invitae), Labcorp); PubMed 10712197 (cited by Labcorp Genetics (formerly Invitae), Labcorp); PubMed 23913538 (cited by Labcorp Genetics (formerly Invitae), Labcorp); PubMed 15146469 (cited by Labcorp Genetics (formerly Invitae), Labcorp); PubMed 23621909 (cited by Labcorp Genetics (formerly Invitae), Labcorp).